The following is an entry in ClinVar:

NM_020822.3(KCNT1):c.2097G>A (p.Thr699=)

Gene: KCNT1 (potassium sodium-activated channel subfamily T member 1; plus strand). Cytogenetic location: 9q34.3.
Variant type: single nucleotide variant.
Coding change: c.2097G>A on transcript NM_020822.3 (MANE Select); coding-DNA position 2097, G replaced by A.
Protein change: p.Thr699=; no amino-acid change (threonine 699 retained).
Molecular consequence: synonymous variant.
Genome position (GRCh38, 1-based): chr9:135,772,803, G>A. VCF-style: chr9-135772803-G-A. GRCh37 (hg19) VCF-style: chr9-138664649-G-A.
Other names: c.1962G>A, p.Thr654= (NM_001272003.2).
Identifiers: ClinVar variation 514701 (VCV000514701.10), dbSNP rs762620377, ClinGen allele CA5327183.

ClinVar aggregate classification (germline): Likely benign. Review status: criteria provided, multiple submitters, no conflicts (2 of 4 stars). 2 submissions from 2 submitters: Likely benign (2). Last evaluated 2025-02-02.

Conditions:
Autosomal dominant nocturnal frontal lobe epilepsy 5. Also called: Epilepsy, nocturnal frontal lobe, 5; CILIARY DYSKINESIA, PRIMARY, 28, WITHOUT SITUS INVERSUS; CILIARY DYSKINESIA, PRIMARY, 28, WITH SITUS INVERSUS; KCNT1-Related Epilepsy. Identifiers: Orphanet 98784, MedGen C3554306, MONDO:0014002, OMIM 615005.
Developmental and epileptic encephalopathy, 14 (DEE14). Also called: Early infantile epileptic encephalopathy 14. Identifiers: Orphanet 293181, MedGen C3554195, MONDO:0013989, OMIM 614959.

Allele frequency attached by ClinVar (database versions not stated): gnomAD 0.00003; gnomAD exomes 0.00003; TOPMed 0.00003; ExAC 0.00024.
gnomAD v4.1: 39 of 1,515,860 alleles (0.0026%); highest among the groups gnomAD compares: Admixed American, 0.0064%; no homozygotes.

Submissions (2):

Labcorp Genetics (formerly Invitae), Labcorp
Classification: Likely benign for Autosomal dominant nocturnal frontal lobe epilepsy 5; Developmental and epileptic encephalopathy, 14. Last evaluated: 2025-02-02. Review status: criteria provided, single submitter. Criteria: Invitae Variant Classification Sherloc (09022015). Collection method: clinical testing. Allele origin: germline.

GeneDx
Classification: Likely benign. Last evaluated: 2018-01-11. Review status: criteria provided, single submitter. Criteria: GeneDx Variant Classification (06012015). Collection method: clinical testing. Allele origin: germline. Affected: yes.
Comment: This variant is considered likely benign or benign based on one or more of the following criteria: it is a conservative change, it occurs at a poorly conserved position in the protein, it is predicted to be benign by multiple in silico algorithms, and/or has population frequency not consistent with disease.